The following is an entry in ClinVar:

NM_001111125.3(IQSEC2):c.3585del (p.Arg1196fs)

Gene: IQSEC2 (IQ motif and Sec7 domain ArfGEF 2; minus strand). Cytogenetic location: Xp11.22.
Variant type: Deletion.
Coding change: c.3585del on transcript NM_001111125.3 (MANE Select); coding-DNA position 3585, one base deleted (G; older notation c.3585delG).
Protein change: p.Arg1196fs; shifts the reading frame from arginine 1196.
Molecular consequence: frameshift variant. On other transcripts: 3 prime UTR variant (2).
Genome position (GRCh38, 1-based): chrX:53,235,101, C deleted on the plus strand (G on the coding strand, the reverse complement: IQSEC2 is on the minus strand). VCF-style (leftmost placement, unchanged base first): chrX-53235100-TC-T. GRCh37 (hg19) VCF-style: chrX-53264282-TC-T.
Other names: c.*70del (NM_001410736.1, NM_015075.2); short protein forms R1196fs.
Identifiers: ClinVar variation 3659887 (VCV003659887.2).

ClinVar aggregate classification (germline): Pathogenic (1 of 4 stars; one submission).

Conditions:
Intellectual developmental disorder, X-linked 1. Also called: Atkin Flaitz Patil Smith syndrome; MENTAL RETARDATION, X-LINKED 18; MENTAL RETARDATION, X-LINKED 78; Intellectual disability, X-linked 1. Identifiers: Orphanet 777, MedGen C2931498, MONDO:0010656, OMIM 309530.

Submission:

Labcorp Genetics (formerly Invitae), Labcorp
Classification: Pathogenic for Intellectual developmental disorder, X-linked 1. Last evaluated: 2024-07-19. Review status: criteria provided, single submitter. Criteria: Invitae Variant Classification Sherloc (09022015). Collection method: clinical testing. Allele origin: germline.
Comment: This sequence change creates a premature translational stop signal (p.Arg1196Glyfs*201) in the IQSEC2 gene. While this is not anticipated to result in nonsense mediated decay, it is expected to disrupt the last 293 amino acid(s) of the IQSEC2 protein. This variant is not present in population databases (gnomAD no frequency). This variant has not been reported in the literature in individuals affected with IQSEC2-related conditions. This variant disrupts a region of the IQSEC2 protein in which other variant(s) (p.Ser1474Glnfs*133) have been determined to be pathogenic (PMID: 30666632). This suggests that this is a clinically significant region of the protein, and that variants that disrupt it are likely to be disease-causing. For these reasons, this variant has been classified as Pathogenic.

Literature cited by the submitters: PubMed 30666632.